The following is an entry in ClinVar:

NM_024675.4(PALB2):c.1708G>A (p.Glu570Lys)

Gene: PALB2 (partner and localizer of BRCA2; minus strand). Cytogenetic location: 16p12.2.
Variant type: single nucleotide variant.
Coding change: c.1708G>A on transcript NM_024675.4 (MANE Select); coding-DNA position 1708, G replaced by A.
Protein change: p.Glu570Lys; replaces glutamic acid 570 with lysine.
Molecular consequence: missense variant.
Genome position (GRCh38, 1-based): chr16:23,630,446, C>T on the plus strand (G>A on the coding strand, the complement: PALB2 is on the minus strand). VCF-style: chr16-23630446-C-T. GRCh37 (hg19) VCF-style: chr16-23641767-C-T.
Other names: short protein forms E570K.
Identifiers: ClinVar variation 187454 (VCV000187454.13), dbSNP rs786203747, ClinGen allele CA197688.

ClinVar aggregate classification (germline): Uncertain significance. Review status: criteria provided, multiple submitters, no conflicts (2 of 4 stars). 4 submissions from 4 submitters: Uncertain significance (3). 1 of the submissions does not count toward it. Last evaluated 2023-10-20.

Conditions:
Hereditary cancer-predisposing syndrome. Also called: Neoplastic Syndromes, Hereditary; Tumor predisposition; Hereditary Cancer Syndrome; Hereditary neoplastic syndrome. Identifiers: Orphanet 140162, MedGen C0027672, MeSH D009386, MONDO:0015356.
Familial cancer of breast. Also called: BREAST CANCER, FAMILIAL; Hereditary breast cancer; hereditary breast carcinoma. Identifiers: Orphanet 227535, MedGen C0346153, MONDO:0016419, OMIM 114480. Disease mechanism: loss of function.

gnomAD v4.1: 1 of 1,613,328 alleles (0.000062%); highest among the groups gnomAD compares: Non-Finnish European, 0.000085%; no homozygotes.

Submissions (4):

Labcorp Genetics (formerly Invitae), Labcorp
Classification: Uncertain significance for Familial cancer of breast. Last evaluated: 2023-10-20. Review status: criteria provided, single submitter. Criteria: Invitae Variant Classification Sherloc (09022015). Collection method: clinical testing. Allele origin: germline.
Comment: This sequence change replaces glutamic acid, which is acidic and polar, with lysine, which is basic and polar, at codon 570 of the PALB2 protein (p.Glu570Lys). This variant is not present in population databases (gnomAD no frequency). This missense change has been observed in individual(s) with breast and/or ovarian cancer (PMID: 35610400). ClinVar contains an entry for this variant (Variation ID: 187454). Advanced modeling of protein sequence and biophysical properties (such as structural, functional, and spatial information, amino acid conservation, physicochemical variation, residue mobility, and thermodynamic stability) performed at Invitae indicates that this missense variant is not expected to disrupt PALB2 protein function with a negative predictive value of 80%. In summary, the available evidence is currently insufficient to determine the role of this variant in disease. Therefore, it has been classified as a Variant of Uncertain Significance.

Myriad Genetics, Inc.
Classification: Uncertain significance for Familial cancer of breast. Last evaluated: 2023-03-30. Review status: criteria provided, single submitter. Criteria: Myriad Autosomal Dominant, Autosomal Recessive and X-Linked Classification Criteria (2023). Collection method: clinical testing. Allele origin: unknown.
Comment: This variant is classified as a variant of uncertain significance as there is insufficient evidence to determine its impact on protein function and/or cancer risk.

Ambry Genetics
Classification: Uncertain significance for Hereditary cancer-predisposing syndrome. Last evaluated: 2021-01-25. Review status: criteria provided, single submitter. Criteria: Ambry Variant Classification Scheme 2023. Collection method: clinical testing. Allele origin: germline.
Comment: The p.E570K variant (also known as c.1708G>A), located in coding exon 5 of the PALB2 gene, results from a G to A substitution at nucleotide position 1708. The glutamic acid at codon 570 is replaced by lysine, an amino acid with similar properties. This amino acid position is not well conserved in available vertebrate species. In addition, this alteration is predicted to be tolerated by in silico analysis. Since supporting evidence is limited at this time, the clinical significance of this alteration remains unclear.

Counsyl
Classification: Uncertain significance for Familial cancer of breast. Last evaluated: 2016-03-31. Review status: no assertion criteria provided. Collection method: clinical testing. Allele origin: unknown. Not counted in ClinVar's aggregate classification.

Literature cited by the submitters: PubMed 35610400 (cited by Labcorp Genetics (formerly Invitae), Labcorp).